The following is an entry in ClinVar:

NM_020975.6(RET):c.2940-5A>C

Gene: RET (ret proto-oncogene; plus strand). Cytogenetic location: 10q11.21.
Variant type: single nucleotide variant.
Coding change: c.2940-5A>C on transcript NM_020975.6 (MANE Select); 5 bases into the intron before coding-DNA position 2940, A replaced by C.
Molecular consequence: intron variant.
Genome position (GRCh38, 1-based): chr10:43,124,878, A>C. VCF-style: chr10-43124878-A-C. GRCh37 (hg19) VCF-style: chr10-43620326-A-C.
Other names: c.2940-5A>C (NM_020630.7, NM_001406743.1, NM_001406744.1 and 2 more transcripts); c.2805-5A>C (NM_001406765.1, NM_001406763.1); c.2544-5A>C (NM_001406772.1, NM_001406769.1); c.2502-5A>C (NM_001406773.1, NM_001406771.1); c.2043-5A>C (NM_001406782.1, NM_001406780.1, NM_001406779.1 and 1 more transcripts); c.1908-5A>C (NM_001406787.1); c.1923-5A>C (NM_001406785.1); c.2811-5A>C (NM_001406764.1, NM_001406762.1, NM_001406761.1); and 10 more.
Identifiers: ClinVar variation 1797909 (VCV001797909.2), dbSNP rs2133015763, ClinGen allele CA2580081474.

ClinVar aggregate classification (germline): Uncertain significance (1 of 4 stars; one submission).

Conditions:
Hereditary cancer-predisposing syndrome. Also called: Neoplastic Syndromes, Hereditary; Tumor predisposition; Hereditary Cancer Syndrome; Hereditary neoplastic syndrome. Identifiers: Orphanet 140162, MedGen C0027672, MeSH D009386, MONDO:0015356.

Submission:

Ambry Genetics
Classification: Uncertain significance for Hereditary cancer-predisposing syndrome. Last evaluated: 2021-05-19. Review status: criteria provided, single submitter. Criteria: Ambry Variant Classification Scheme 2023. Collection method: clinical testing. Allele origin: germline.
Comment: The c.2940-5A>C intronic variant results from an A to C substitution 5 nucleotides upstream from coding exon 18 in the RET gene. This nucleotide position is poorly conserved in available vertebrate species. In silico splice site analysis predicts that this alteration will not have any significant effect on splicing. Since supporting evidence is limited at this time, the clinical significance of this alteration remains unclear.